The following is an entry in ClinVar:

ClinVar aggregate classification (germline): Uncertain significance (1 of 4 stars; one submission).

Allele frequency attached by ClinVar (database versions not stated): gnomAD 0.00001; TOPMed 0.00001; ExAC 0.00002; gnomAD exomes 0.00002.
gnomAD v4.1: 33 of 1,612,276 alleles (0.002%); highest among the groups gnomAD compares: Middle Eastern, 0.016%; no homozygotes.

Submission:

Labcorp Genetics (formerly Invitae), Labcorp
Classification: Uncertain significance. Last evaluated: 2022-11-01. Review status: criteria provided, single submitter. Criteria: Invitae Variant Classification Sherloc (09022015). Collection method: clinical testing. Allele origin: germline.
Comment: In summary, the available evidence is currently insufficient to determine the role of this variant in disease. Therefore, it has been classified as a Variant of Uncertain Significance. Advanced modeling of protein sequence and biophysical properties (such as structural, functional, and spatial information, amino acid conservation, physicochemical variation, residue mobility, and thermodynamic stability) performed at Invitae indicates that this missense variant is not expected to disrupt SLC24A5 protein function. This variant has not been reported in the literature in individuals affected with SLC24A5-related conditions. This variant is present in population databases (rs556168142, gnomAD 0.02%). This sequence change replaces alanine, which is neutral and non-polar, with valine, which is neutral and non-polar, at codon 178 of the SLC24A5 protein (p.Ala178Val).

NM_205850.3(SLC24A5):c.533C>T (p.Ala178Val)

Genes: MYEF2 (myelin expression factor 2; minus strand), SLC24A5 (solute carrier family 24 member 5; plus strand). Cytogenetic location: 15q21.1.
Variant type: single nucleotide variant.
Coding change: c.533C>T on transcript NM_205850.3 (MANE Select); coding-DNA position 533, C replaced by T.
Protein change: p.Ala178Val; replaces alanine 178 with valine.
Molecular consequence: missense variant. On other transcripts: 3 prime UTR variant (2).
Genome position (GRCh38, 1-based): chr15:48,134,927, C>T. VCF-style: chr15-48134927-C-T. GRCh37 (hg19) VCF-style: chr15-48427124-C-T.
Other names: c.*7981G>A (NM_001301210.2, NM_016132.5); short protein forms A178V.
Identifiers: ClinVar variation 2189341 (VCV002189341.4), dbSNP rs556168142, ClinGen allele CA7545904.